The following is an entry in ClinVar:

ClinVar aggregate classification (germline): Uncertain significance (1 of 4 stars; one submission).

Submission:

GeneDx
Classification: Uncertain significance. Last evaluated: 2022-01-31. Review status: criteria provided, single submitter. Criteria: GeneDx Variant Classification Process June 2021. Collection method: clinical testing. Allele origin: germline. Affected: yes.
Comment: Not observed at significant frequency in large population cohorts (gnomAD); In silico analysis supports that this missense variant has a deleterious effect on protein structure/function; Has not been previously published as pathogenic or benign to our knowledge

NM_014991.6(WDFY3):c.4544T>C (p.Leu1515Pro)

Gene: WDFY3 (WD repeat and FYVE domain containing 3; minus strand). Cytogenetic location: 4q21.23.
Variant type: single nucleotide variant.
Coding change: c.4544T>C on transcript NM_014991.6 (MANE Select); coding-DNA position 4544, T replaced by C.
Protein change: p.Leu1515Pro; replaces leucine 1515 with proline.
Molecular consequence: missense variant.
Genome position (GRCh38, 1-based): chr4:84,775,113, A>G on the plus strand (T>C on the coding strand, the complement: WDFY3 is on the minus strand). VCF-style: chr4-84775113-A-G. GRCh37 (hg19) VCF-style: chr4-85696266-A-G.
Other names: short protein forms L1515P.
Identifiers: ClinVar variation 1699671 (VCV001699671.2), dbSNP rs2149447318, ClinGen allele CA357548117.